The following is an entry in ClinVar:

NM_000179.3(MSH6):c.3942_3950del (p.Gln1314_Gly1316del)

Gene: MSH6 (mutS homolog 6; plus strand). Cytogenetic location: 2p16.3.
Variant type: Deletion.
Coding change: c.3942_3950del on transcript NM_000179.3 (MANE Select); coding-DNA positions 3942 to 3950, 9 bases deleted (AAAGGGACA; older notation c.3942_3950delAAAGGGACA).
Protein change: p.Gln1314_Gly1316del.
Molecular consequence: inframe deletion. On other transcripts: non-coding transcript variant (5), intron variant (1).
Genome position (GRCh38, 1-based): chr2:47,806,592-47,806,600, AAAGGGACA deleted; deleting any 9 consecutive bases within chr2:47,806,590-47,806,600 gives the same sequence; the c. name uses the placement nearest the transcript's 3' end. VCF-style (leftmost placement, unchanged base first): chr2-47806589-TCAAAAGGGA-T. GRCh37 (hg19) VCF-style: chr2-48033728-TCAAAAGGGA-T.
Other names: c.3552_3560del, p.Gln1184_Gly1186del (NM_001281492.2); c.3036_3044del, p.Gln1012_Gly1014del (NM_001281493.2, NM_001281494.2, NM_001406811.1 and 6 more transcripts); c.4038_4046del, p.Gln1346_Gly1348del (NM_001406795.1); c.3942_3950del, p.Gln1314_Gly1316del (NM_001406796.1, NM_001406808.1, NM_001406809.1); c.3645_3653del, p.Gln1215_Gly1217del (NM_001406797.1, NM_001406801.1, NM_001406805.1 and 10 more transcripts); c.3768_3776del, p.Gln1256_Gly1258del (NM_001406798.1); c.3417_3425del, p.Gln1139_Gly1141del (NM_001406799.1, NM_001406806.1, NM_001406807.1); c.3929_3937del, p.Lys1310_Asp1312del (NM_001406800.1); and 9 more.
Identifiers: ClinVar variation 4716146 (VCV004716146.1).

ClinVar aggregate classification (germline): Uncertain significance (1 of 4 stars; one submission).

Conditions:
Hereditary nonpolyposis colorectal neoplasms. Identifiers: MedGen C0009405, MeSH D003123.

Submission:

Labcorp Genetics (formerly Invitae), Labcorp
Classification: Uncertain significance for Hereditary nonpolyposis colorectal neoplasms. Last evaluated: 2025-03-27. Review status: criteria provided, single submitter. Criteria: Invitae Variant Classification Sherloc (09022015). Collection method: clinical testing. Allele origin: germline.
Comment: This variant, c.3942_3950del, results in the deletion of 3 amino acid(s) of the MSH6 protein (p.Gln1314_Gly1316del), but otherwise preserves the integrity of the reading frame. This variant is not present in population databases (gnomAD no frequency). This variant has not been reported in the literature in individuals affected with MSH6-related conditions. This variant disrupts a region of the MSH6 protein in which other variant(s) (p.Gly1316Arg) have been observed in individuals with MSH6-related conditions (PMID: 24440087). This suggests that this is a clinically significant region of the protein, and that variants that disrupt it are likely to be disease-causing. In summary, the available evidence is currently insufficient to determine the role of this variant in disease. Therefore, it has been classified as a Variant of Uncertain Significance.

Literature cited by the submitters: PubMed 24440087.